The following is an entry in ClinVar:

NM_032119.4(ADGRV1):c.8323G>C (p.Asp2775His)

Gene: ADGRV1 (adhesion G protein-coupled receptor V1; plus strand). Cytogenetic location: 5q14.3.
Variant type: single nucleotide variant.
Coding change: c.8323G>C on transcript NM_032119.4 (MANE Select); coding-DNA position 8323, G replaced by C.
Protein change: p.Asp2775His; replaces aspartic acid 2775 with histidine.
Molecular consequence: missense variant. On other transcripts: non-coding transcript variant (1).
Genome position (GRCh38, 1-based): chr5:90,704,425, G>C. VCF-style: chr5-90704425-G-C. GRCh37 (hg19) VCF-style: chr5-90000242-G-C.
Other names: short protein forms D2775H.
Identifiers: ClinVar variation 1421090 (VCV001421090.6), dbSNP rs2149687674, ClinGen allele CA360389815.
Genomic context (GRCh38, chr5:90,704,425, plus strand): 5'-TTGATTTCTTTCTGTATGACATAGGGGTCGTTGAATACAACATTGTTTGTGCATTTGTTG[G>C]ATGACAACATTCCTGAGGAGAAAGAAGTATACCAAGTCATTCTGTATGATGTCAGGACAC-3'
Protein context (NP_115495.3, residues 2765-2785): LNTTLFVHLL[Asp2775His]DNIPEEKEVY

ClinVar aggregate classification (germline): Uncertain significance (1 of 4 stars; one submission).

gnomAD v4.1: 1 of 1,583,290 alleles (0.000063%); highest among the groups gnomAD compares: Admixed American, 0.0018%; no homozygotes.

Submission:

Labcorp Genetics (formerly Invitae), Labcorp
Classification: Uncertain significance. Last evaluated: 2021-10-14. Review status: criteria provided, single submitter. Criteria: Invitae Variant Classification Sherloc (09022015). Collection method: clinical testing. Allele origin: germline.
Comment: This variant is not present in population databases (ExAC no frequency). This variant has not been reported in the literature in individuals affected with ADGRV1-related conditions. Algorithms developed to predict the effect of missense changes on protein structure and function are either unavailable or do not agree on the potential impact of this missense change (SIFT: "Deleterious"; PolyPhen-2: "Probably Damaging"; Align-GVGD: "Class C0"). This sequence change replaces aspartic acid with histidine at codon 2775 of the ADGRV1 protein (p.Asp2775His). The aspartic acid residue is highly conserved and there is a moderate physicochemical difference between aspartic acid and histidine. In summary, the available evidence is currently insufficient to determine the role of this variant in disease. Therefore, it has been classified as a Variant of Uncertain Significance.